The following is an entry in ClinVar:

NM_001267550.2(TTN):c.2764C>T (p.Arg922Cys)

Gene: TTN (titin; minus strand). Cytogenetic location: 2q31.2.
Variant type: single nucleotide variant.
Coding change: c.2764C>T on transcript NM_001267550.2 (MANE Select); coding-DNA position 2764, C replaced by T.
Protein change: p.Arg922Cys; replaces arginine 922 with cysteine.
Molecular consequence: missense variant.
Genome position (GRCh38, 1-based): chr2:178,784,081, G>A on the plus strand (C>T on the coding strand, the complement: TTN is on the minus strand). VCF-style: chr2-178784081-G-A. GRCh37 (hg19) VCF-style: chr2-179648808-G-A.
Other names: p.R922C:CGC>TGC; c.2764C>T, p.Arg922Cys (NM_001256850.1, NM_133379.5, NM_133378.4); c.2626C>T, p.Arg876Cys (NM_003319.4, NM_133432.3, NM_133437.4); short protein forms R922C, R876C.
Identifiers: ClinVar variation 202868 (VCV000202868.53), dbSNP rs72647862, ClinGen allele CA310534.

ClinVar aggregate classification (germline): Likely benign. Review status: criteria provided, multiple submitters, no conflicts (2 of 4 stars). 12 submissions from 12 submitters: Likely benign (9). 3 of the submissions do not count toward it. Last evaluated 2026-04-17.

Conditions:
TTN-related disorder. Also called: TTN-related condition; TTN-related disease; TTN-related disorders.
Cardiovascular phenotype. Identifiers: MedGen CN230736.
Autosomal recessive limb-girdle muscular dystrophy type 2J (LGMDR10). Also called: Limb-girdle muscular dystrophy, type 2J; MUSCULAR DYSTROPHY, LIMB-GIRDLE, AUTOSOMAL RECESSIVE 10. Identifiers: Orphanet 140922, MedGen C1837342, MONDO:0012127, OMIM 608807.
Dilated cardiomyopathy 1G (CMD1G). Identifiers: Orphanet 154, MedGen C1858763, MONDO:0011400, OMIM 604145.

Allele frequency attached by ClinVar (database versions not stated): gnomAD exomes 0.00011 and 0.00033; ExAC 0.00040; ESP Exome Variant Server 0.00092; gnomAD 0.00117 and 0.00123; TOPMed 0.00117; 1000 Genomes Project 0.00180; 1000 Genomes Project 30x 0.00219.
gnomAD v4.1: 349 of 1,613,244 alleles (0.022%); highest among the groups gnomAD compares: African/African-American, 0.4%; no homozygotes.

Submissions (12):

Women's Health and Genetics/Laboratory Corporation of America, LabCorp
Classification: Likely benign. Last evaluated: 2026-04-17. Review status: criteria provided, single submitter. Criteria: LabCorp Variant Classification Summary - May 2015. Collection method: clinical testing. Allele origin: germline.
Comment: Variant summary: TTN c.2764C>T (p.Arg922Cys) results in a non-conservative amino acid change located in the near Z-disk region of the encoded protein sequence. Algorithms developed to predict the effect of missense changes on protein structure and function are either unavailable or do not agree on the potential impact of this missense change. The variant allele was found at a frequency of 0.00033 in 250426 control chromosomes, predominantly at a frequency of 0.0046 within the African or African-American subpopulation in the gnomAD database. The observed variant frequency within African or African-American control individuals in the gnomAD database exceeds the estimated maximal expected allele frequency for disease-causing variants in TTN. To our knowledge, no occurrences of c.2764C>T in individuals affected with Dilated Cardiomyopathy and no experimental evidence demonstrating an impact on protein function have been reported in the literature. To our knowledge, no experimental evidence demonstrating an impact on protein function has been reported. The following publications have been ascertained in the context of this evaluation (PMID: 25798586, 41569083). ClinVar contains an entry for this variant (Variation ID: 202868). Based on the evidence outlined above, the variant was classified as likely benign.

CeGaT Center for Human Genetics Tuebingen
Classification: Likely benign. Last evaluated: 2026-04-01. Review status: criteria provided, single submitter. Criteria: CeGaT Center For Human Genetics Tuebingen Variant Classification Criteria Version 2. Collection method: clinical testing. Allele origin: germline. Affected: yes. Observed: 3 variant alleles.
Comment: TTN: BP4

Labcorp Genetics (formerly Invitae), Labcorp
Classification: Likely benign for Dilated cardiomyopathy 1G; Autosomal recessive limb-girdle muscular dystrophy type 2J. Last evaluated: 2026-02-01. Review status: criteria provided, single submitter. Criteria: Invitae Variant Classification Sherloc (09022015). Collection method: clinical testing. Allele origin: germline.

Molecular Diagnostic Laboratory for Inherited Cardiovascular Disease, Montreal Heart Institute
Classification: Likely benign. Last evaluated: 2025-04-09. Review status: criteria provided, single submitter. Criteria: ACMG Guidelines, 2015. Collection method: clinical testing. Allele origin: germline. Affected: no.

Mayo Clinic Laboratories, Mayo Clinic
Classification: Likely benign. Last evaluated: 2025-03-28. Review status: criteria provided, single submitter. Criteria: ACMG Guidelines, 2015. Collection method: clinical testing. Allele origin: germline. Observed: 2 variant alleles.
Comment: BS1, BP4

Ambry Genetics
Classification: Likely benign for Cardiovascular phenotype. Last evaluated: 2018-08-08. Review status: criteria provided, single submitter. Criteria: Ambry Variant Classification Scheme 2023. Collection method: clinical testing. Allele origin: germline.

Eurofins Ntd Llc (ga)
Classification: Likely benign. Last evaluated: 2017-11-14. Review status: criteria provided, single submitter. Criteria: EGL Classification Definitions 2015. Collection method: clinical testing. Allele origin: germline. Observed: 3 variant alleles, 3 heterozygotes.

GeneDx
Classification: Likely benign. Last evaluated: 2017-10-23. Review status: criteria provided, single submitter. Criteria: GeneDx Variant Classification (06012015). Collection method: clinical testing. Allele origin: germline. Affected: yes.
Comment: This variant is considered likely benign or benign based on one or more of the following criteria: it is a conservative change, it occurs at a poorly conserved position in the protein, it is predicted to be benign by multiple in silico algorithms, and/or has population frequency not consistent with disease.

Laboratory for Molecular Medicine, Mass General Brigham Personalized Medicine
Classification: Likely benign. Last evaluated: 2015-01-05. Review status: criteria provided, single submitter. Criteria: LMM Criteria. Collection method: clinical testing. Allele origin: germline. Observed: 2 variant alleles.
Comment: p.Arg922Cys in exon 16 of TTN: This variant is not expected to have clinical sig nificance because it has been identified in 0.5% (48/10580) of African chromosom es by the Exome Aggregation Consortium (ExAC; db SNP rs72647862).

PreventionGenetics, part of Exact Sciences
Classification: Likely benign for TTN-related condition. Last evaluated: 2021-06-15. Review status: no assertion criteria provided. Collection method: clinical testing. Allele origin: germline. Not counted in ClinVar's aggregate classification.
Comment: This variant is classified as likely benign based on ACMG/AMP sequence variant interpretation guidelines (Richards et al. 2015 PMID: 25741868, with internal and published modifications).

Clinical Genetics DNA and cytogenetics Diagnostics Lab, Erasmus MC, Erasmus Medical Center
Classification: Likely benign. Review status: no assertion criteria provided. Collection method: clinical testing. Allele origin: germline. Affected: yes. Study: VKGL Data-share Consensus. Not counted in ClinVar's aggregate classification.

Clinical Genetics, Academic Medical Center
Classification: Benign. Review status: no assertion criteria provided. Collection method: clinical testing. Allele origin: germline. Affected: yes. Study: VKGL Data-share Consensus. Not counted in ClinVar's aggregate classification.

Literature cited by the submitters: PubMed 25798586 (cited by Women's Health and Genetics/Laboratory Corporation of America, LabCorp); PubMed 41569083 (cited by Women's Health and Genetics/Laboratory Corporation of America, LabCorp).